The following is an entry in ClinVar:

ClinVar aggregate classification (germline): Uncertain significance (1 of 4 stars; one submission).

Conditions:
Short-rib thoracic dysplasia 10 with or without polydactyly (SRTD10). Identifiers: Orphanet 474, MedGen C3810175, MONDO:0014284, OMIM 615630.
Retinitis pigmentosa 71 (RP71). Identifiers: Orphanet 791, MedGen C4225342, MONDO:0014618, OMIM 616394.

gnomAD v4.1: 1 of 1,614,180 alleles (0.000062%); highest among the groups gnomAD compares: Non-Finnish European, 0.000085%; no homozygotes.

Submission:

Labcorp Genetics (formerly Invitae), Labcorp
Classification: Uncertain significance for Retinitis pigmentosa 71; Short-rib thoracic dysplasia 10 with or without polydactyly. Last evaluated: 2020-07-30. Review status: criteria provided, single submitter. Criteria: Invitae Variant Classification Sherloc (09022015). Collection method: clinical testing. Allele origin: germline.
Comment: This sequence change replaces arginine with proline at codon 720 of the IFT172 protein (p.Arg720Pro). The arginine residue is moderately conserved and there is a moderate physicochemical difference between arginine and proline. This variant is not present in population databases (ExAC no frequency). This variant has not been reported in the literature in individuals with IFT172-related conditions. Algorithms developed to predict the effect of missense changes on protein structure and function are either unavailable or do not agree on the potential impact of this missense change (SIFT: "Tolerated"; PolyPhen-2: "Possibly Damaging"; Align-GVGD: "Class C0"). In summary, the available evidence is currently insufficient to determine the role of this variant in disease. Therefore, it has been classified as a Variant of Uncertain Significance.

NM_015662.3(IFT172):c.2159G>C (p.Arg720Pro)

Gene: IFT172 (intraflagellar transport 172; minus strand). Cytogenetic location: 2p23.3.
Variant type: single nucleotide variant.
Coding change: c.2159G>C on transcript NM_015662.3 (MANE Select); coding-DNA position 2159, G replaced by C.
Protein change: p.Arg720Pro; replaces arginine 720 with proline.
Molecular consequence: missense variant.
Genome position (GRCh38, 1-based): chr2:27,461,793, C>G on the plus strand (G>C on the coding strand, the complement: IFT172 is on the minus strand). VCF-style: chr2-27461793-C-G. GRCh37 (hg19) VCF-style: chr2-27684660-C-G.
Other names: short protein forms R720P.
Identifiers: ClinVar variation 1038486 (VCV001038486.6), dbSNP rs202089120, ClinGen allele CA346384865.
Genomic context (GRCh38, chr2:27,461,793, plus strand): 5'-AACTGTGGAGAAGATAAAACAGGTACCTTGGCTTCAGCCACAGCGATACACTCATCCCAA[C>G]GGTGTAGCTCCTGGTACATGCCCATGGCCTCCTCCACAGCATTCTAGGGGAAACAGGCAG-3'
Protein context (NP_056477.1, residues 710-730): EAMGMYQELH[Arg720Pro]WDECIAVAEA